The following is an entry in ClinVar:

NM_003322.6(TULP1):c.845C>T (p.Pro282Leu)

Gene: TULP1 (TUB like protein 1; minus strand). Cytogenetic location: 6p21.31.
Variant type: single nucleotide variant.
Coding change: c.845C>T on transcript NM_003322.6 (MANE Select); coding-DNA position 845, C replaced by T.
Protein change: p.Pro282Leu; replaces proline 282 with leucine.
Molecular consequence: missense variant.
Genome position (GRCh38, 1-based): chr6:35,506,157, G>A on the plus strand (C>T on the coding strand, the complement: TULP1 is on the minus strand). VCF-style: chr6-35506157-G-A. GRCh37 (hg19) VCF-style: chr6-35473934-G-A.
Other names: c.686C>T, p.Pro229Leu (NM_001289395.2); short protein forms P282L, P229L.
Identifiers: ClinVar variation 1470121 (VCV001470121.6), dbSNP rs1177612155, ClinGen allele CA363780473.

ClinVar aggregate classification (germline): Uncertain significance (1 of 4 stars; one submission).

Allele frequency attached by ClinVar (database versions not stated): gnomAD exomes below 0.00001; gnomAD 0.00001.
gnomAD v4.1: 17 of 1,613,374 alleles (0.0011%); highest among the groups gnomAD compares: South Asian, 0.0033%; 1 homozygote.

Submission:

Labcorp Genetics (formerly Invitae), Labcorp
Classification: Uncertain significance. Last evaluated: 2025-01-27. Review status: criteria provided, single submitter. Criteria: Invitae Variant Classification Sherloc (09022015). Collection method: clinical testing. Allele origin: germline.
Comment: This sequence change replaces proline with leucine at codon 282 of the TULP1 protein (p.Pro282Leu). The proline residue is moderately conserved and there is a moderate physicochemical difference between proline and leucine. This variant is present in population databases (no rsID available, gnomAD 0.03%). This variant has not been reported in the literature in individuals affected with TULP1-related conditions. ClinVar contains an entry for this variant (Variation ID: 1470121). An algorithm developed to predict the effect of missense changes on protein structure and function outputs the following: PolyPhen-2: "Benign". The leucine amino acid residue is found in multiple mammalian species, which suggests that this missense change does not adversely affect protein function. In summary, the available evidence is currently insufficient to determine the role of this variant in disease. Therefore, it has been classified as a Variant of Uncertain Significance.